The following is an entry in ClinVar:

ClinVar aggregate classification (germline): Uncertain significance (1 of 4 stars; one submission).

Submission:

CeGaT Center for Human Genetics Tuebingen
Classification: Uncertain significance. Last evaluated: 2022-04-01. Review status: criteria provided, single submitter. Criteria: CeGaT Center For Human Genetics Tuebingen Variant Classification Criteria Version 2. Collection method: clinical testing. Allele origin: germline. Affected: yes. Observed: 1 variant allele.
Comment: KRT10: PM2

NM_000421.5(KRT10):c.1559G>T (p.Gly520Val)

Gene: KRT10 (keratin 10; minus strand). Cytogenetic location: 17q21.2.
Variant type: single nucleotide variant.
Coding change: c.1559G>T on transcript NM_000421.5 (MANE Select); coding-DNA position 1559, G replaced by T.
Protein change: p.Gly520Val; replaces glycine 520 with valine.
Molecular consequence: missense variant.
Genome position (GRCh38, 1-based): chr17:40,818,976, C>A on the plus strand (G>T on the coding strand, the complement: KRT10 is on the minus strand). VCF-style: chr17-40818976-C-A. GRCh37 (hg19) VCF-style: chr17-38975228-C-A.
Other names: c.1559G>T, p.Gly520Val (NM_001379366.1); short protein forms G520V.
Identifiers: ClinVar variation 2647748 (VCV002647748.24), dbSNP rs1597817269, ClinGen allele CA399389080.
Genomic context (GRCh38, chr17:40,818,976, plus strand): 5'-CCGCCGCCGCCGCCGGAACTGCCACCACCGTAGCCGCCGCTGGAACTGCCGCCGTGGCCG[C>A]CGCTGGAGCTTCCGCCCCCGTAGCCGCCGCCGGAGCTTCCGCCGCCGGAGCTTCCGCCTC-3'
Protein context (NP_000412.4, residues 510-530): GGGYGGGSSS[Gly520Val]GHGGSSSGGY